The following is an entry in ClinVar:

ClinVar aggregate classification (germline): Likely pathogenic (1 of 4 stars; one submission).

Submission:

Dasa
Classification: Likely pathogenic. Last evaluated: 2024-12-12. Review status: criteria provided, single submitter. Criteria: DASA Assertion Criteria. Collection method: clinical testing. Allele origin: germline.
Comment: NM_198904.4(GABRG2):c.874del (p.Val292Cysfs*16) is a frameshift variant in GABRG2 predicted to alter the reading frame and introduce a premature termination codon and is predicted to result in an absent or altered protein product. Loss of function is an established disease mechanism for GABRG2-associated disorders. Also, this variant is absent from population databases. Based on the currently available evidence, this variant is classified as likely pathogenic.

NM_198904.4(GABRG2):c.874del (p.Val292fs)

Gene: GABRG2 (gamma-aminobutyric acid type A receptor subunit gamma2; plus strand). Cytogenetic location: 5q34.
Variant type: Deletion.
Coding change: c.874del on transcript NM_198904.4 (MANE Select); coding-DNA position 874, one base deleted (G; older notation c.874delG).
Protein change: p.Val292fs; shifts the reading frame from valine 292.
Molecular consequence: frameshift variant.
Genome position (GRCh38, 1-based): chr5:162,142,268, G deleted; the last of 3 consecutive G bases (chr5:162,142,266-162,142,268); deleting any one gives the same sequence. VCF-style (leftmost placement, unchanged base first): chr5-162142265-TG-T. GRCh37 (hg19) VCF-style: chr5-161569271-TG-T.
Other names: c.994del, p.Val332fs (NM_001375343.1, NM_198903.2); c.913del, p.Val305fs (NM_001375344.1); c.808del, p.Val270fs (NM_001375345.1, NM_001375346.1); c.787del, p.Val263fs (NM_001375347.1); c.454del, p.Val152fs (NM_001375348.1, NM_001375350.1); c.589del, p.Val197fs (NM_001375349.1); c.874del, p.Val292fs (NM_000816.3, NM_001375340.1); c.865del, p.Val289fs (NM_001375339.1); and 1 more; short protein forms V152fs, V197fs, V263fs, V270fs, V289fs, V291fs, V292fs, V305fs.
Identifiers: ClinVar variation 4886429 (VCV004886429.2).
Genomic context (GRCh38, chr5:162,142,265, plus strand): 5'-AGAATGGGATACTTTACCATCCAGACCTATATCCCCTGCACACTCATTGTCGTCCTATCC[TG>T]GGTGTCTTTCTGGATCAATAAGGATGCTGTTCCAGCCAGAACATCTTTAGGTGAGACACC-3'